The following is an entry in ClinVar:

ClinVar aggregate classification (germline): Pathogenic/Likely pathogenic. Review status: criteria provided, multiple submitters, no conflicts (2 of 4 stars). 6 submissions from 6 submitters: Pathogenic (4); Likely pathogenic (1). 1 of the submissions does not count toward it. Last evaluated 2024-11-03.

Conditions:
PCDH15-related disorder. Also called: PCDH15-related condition; PCDH15-related disorders.
Autosomal recessive nonsyndromic hearing loss 23. Identifiers: Orphanet 90636, MedGen C1836027, MONDO:0012293, OMIM 609533.
Usher syndrome type 1D (USH1D). Also called: USHER SYNDROME, TYPE ID. Identifiers: Orphanet 231169, Orphanet 886, MedGen C1832845, MONDO:0010984, OMIM 601067.
Usher syndrome type 1F (USH1F). Also called: USHER SYNDROME, TYPE IF. Identifiers: Orphanet 231169, Orphanet 886, MedGen C1865885, MONDO:0011186, OMIM 602083.

Submissions (6):

Labcorp Genetics (formerly Invitae), Labcorp
Classification: Pathogenic. Last evaluated: 2024-11-03. Review status: criteria provided, single submitter. Criteria: Invitae Variant Classification Sherloc (09022015). Collection method: clinical testing. Allele origin: germline.
Comment: This sequence change creates a premature translational stop signal (p.Leu363Trpfs*58) in the PCDH15 gene. It is expected to result in an absent or disrupted protein product. Loss-of-function variants in PCDH15 are known to be pathogenic (PMID: 11398101, 11487575, 14570705). This variant is not present in population databases (gnomAD no frequency). This premature translational stop signal has been observed in individual(s) with Usher syndrome (PMID: 11487575). ClinVar contains an entry for this variant (Variation ID: 4932). For these reasons, this variant has been classified as Pathogenic.

Fulgent Genetics
Classification: Pathogenic for Usher syndrome type 1D; Usher syndrome type 1F; Autosomal recessive nonsyndromic hearing loss 23. Last evaluated: 2024-05-03. Review status: criteria provided, single submitter. Criteria: ACMG Guidelines, 2015. Collection method: clinical testing. Allele origin: germline.

Baylor Genetics
Classification: Pathogenic for Autosomal recessive nonsyndromic hearing loss 23. Last evaluated: 2024-03-30. Review status: criteria provided, single submitter. Criteria: ACMG Guidelines, 2015. Collection method: clinical testing. Allele origin: unknown.

Blueprint Genetics
Classification: Likely pathogenic for PCDH15-related disorders. Last evaluated: 2023-06-05. Review status: criteria provided, single submitter. Criteria: ACMG Guidelines, 2015. Collection method: clinical testing. Allele origin: germline. Affected: yes. Observed: 3 variant alleles.

Centre for Mendelian Genomics, University Medical Centre Ljubljana
Classification: Pathogenic for Usher syndrome type 1D. Last evaluated: 2019-11-27. Review status: criteria provided, single submitter. Criteria: ACMG Guidelines, 2015. Collection method: clinical testing. Allele origin: unknown. Affected: yes.
Comment: This variant was classified as: Pathogenic. The following ACMG criteria were applied in classifying this variant: PVS1,PM2,PP3.

OMIM
Classification: Pathogenic for USHER SYNDROME, TYPE IF. Last evaluated: 2012-10-05. Review status: no assertion criteria provided. Collection method: literature only. Allele origin: germline. Not counted in ClinVar's aggregate classification.

Literature cited by the submitters: PubMed 11398101 (cited by Labcorp Genetics (formerly Invitae), Labcorp); PubMed 11487575 (cited by Labcorp Genetics (formerly Invitae), Labcorp and OMIM); PubMed 14570705 (cited by Labcorp Genetics (formerly Invitae), Labcorp); PubMed 22981120 (cited by OMIM).

NM_001384140.1(PCDH15):c.1088del (p.Leu363fs)

Gene: PCDH15 (protocadherin related 15; minus strand). Cytogenetic location: 10q21.1.
Variant type: Deletion.
Coding change: c.1088del on transcript NM_001384140.1 (MANE Select); coding-DNA position 1088, one base deleted (T; older notation c.1088delT).
Protein change: p.Leu363fs; shifts the reading frame from leucine 363.
Molecular consequence: frameshift variant.
Genome position (GRCh38, 1-based): chr10:54,213,946, A deleted on the plus strand (T on the coding strand, the reverse complement: PCDH15 is on the minus strand); the first of 3 consecutive A bases (chr10:54,213,946-54,213,948); deleting any one gives the same sequence. VCF-style (leftmost placement, unchanged base first): chr10-54213945-CA-C. GRCh37 (hg19) VCF-style: chr10-55973705-CA-C.
Other names: c.1088del (NM_033056.3); c.1103del, p.Leu368fs (NM_001142763.2, NM_001142771.2); c.1088del, p.Leu363fs (NM_001142764.2, NM_001142765.2, NM_001142766.2 and 7 more transcripts); c.977del, p.Leu326fs (NM_001142767.2); c.1022del, p.Leu341fs (NM_001142768.2, NM_001142773.2, NM_001354404.2); c.1101delT, p.Leu368Trpfs (NM_001142769.4); short protein forms L368fs, L341fs, L363fs, L326fs.
Identifiers: ClinVar variation 4932 (VCV000004932.16), dbSNP rs199469706, ClinGen allele CA253342.